The following is an entry in ClinVar:

NM_001114753.3(ENG):c.1613_1614del (p.Thr538fs)

Genes: ENG (endoglin; minus strand), LOC102723566 (uncharacterized LOC102723566; plus strand). Cytogenetic location: 9q34.11.
Variant type: Microsatellite.
Coding change: c.1613_1614del on transcript NM_001114753.3 (MANE Select); coding-DNA positions 1613 to 1614, 2 bases deleted (CA; older notation c.1613_1614delCA).
Protein change: p.Thr538fs; shifts the reading frame from threonine 538.
Molecular consequence: frameshift variant.
Genome position (GRCh38, 1-based): chr9:127,818,192-127,818,193, TG deleted on the plus strand (CA on the coding strand, the reverse complement: ENG is on the minus strand); deleting any 2 consecutive bases within chr9:127,818,192-127,818,196 gives the same sequence; the c. name uses the placement nearest the transcript's 3' end. VCF-style (leftmost placement, unchanged base first): chr9-127818191-CTG-C. GRCh37 (hg19) VCF-style: chr9-130580470-CTG-C.
Other names: c.1610_1611AC[1], p.Thr538Serfs (NM_000118.4); c.1067_1068del, p.Thr356fs (NM_001278138.2); short protein forms T538fs, T356fs.
Identifiers: ClinVar variation 1776434 (VCV001776434.3), dbSNP rs2539059288, ClinGen allele CA2580616311.

ClinVar aggregate classification (germline): Pathogenic. Review status: criteria provided, multiple submitters, no conflicts (2 of 4 stars). 2 submissions from 2 submitters: Pathogenic (2). Last evaluated 2025-06-12.

Conditions:
Telangiectasia, hereditary hemorrhagic, type 1 (HHT1). Also called: Osler Weber Rendu syndrome type 1; ENG-Related Hereditary Hemorrhagic Telangiectasia. Identifiers: Orphanet 774, MedGen C4551861, MONDO:0008535, OMIM 187300. Disease mechanism: loss of function.
Cardiovascular phenotype. Identifiers: MedGen CN230736.

Submissions (2):

ARUP Laboratories, Molecular Genetics and Genomics, ARUP Laboratories
Classification: Pathogenic for Telangiectasia, hereditary hemorrhagic, type 1. Last evaluated: 2025-06-12. Review status: criteria provided, single submitter. Criteria: ARUP Molecular Germline Variant Investigation Process 2024. Collection method: clinical testing. Allele origin: germline.
Comment: The ENG c.1613_1614del; p.Thr538SerfsTer28 variant, to our knowledge, is not reported in the medical literature but is reported in ClinVar (Variation ID: 1776434). This variant is absent from the Genome Aggregation Database (v2.1.1), indicating it is not a common polymorphism. This variant causes a frameshift by deleting two nucleotides, so it is predicted to result in a truncated protein or mRNA subject to nonsense-mediated decay. Additionally, multiple other truncating variants in the same have been described in individuals with HHT and are considered disease-causing (Gallione 1998, Letteboer 2005). Based on available information, the c.1613_1614del variant is considered to be pathogenic. References: Gallione CJ et al. Mutation and expression analysis of the endoglin gene in hereditary hemorrhagic telangiectasia reveals null alleles. Hum Mutat. 1998;11(4):286-94. PMID: 9554745. Letteboer TG et al. Hereditary hemorrhagic telangiectasia: ENG and ALK-1 mutations in Dutch patients. Hum Genet. 2005 Jan;116(1-2):8-16. PMID: 15517393.

Ambry Genetics
Classification: Pathogenic for Cardiovascular phenotype. Last evaluated: 2016-10-27. Review status: criteria provided, single submitter. Criteria: Ambry Variant Classification Scheme 2023. Collection method: clinical testing. Allele origin: germline.
Comment: The c.1613_1614delCA pathogenic mutation, located in coding exon 12 of the ENG gene, results from a deletion of two nucleotides at nucleotide positions 1613 to 1614, causing a translational frameshift with a predicted alternate stop codon (p.T538Sfs*28). This alteration is expected to result in loss of function by premature protein truncation or nonsense-mediated mRNA decay. As such, this alteration is interpreted as a disease-causing mutation.